The following is an entry in ClinVar:

ClinVar aggregate classification (germline): Uncertain significance. Review status: criteria provided, multiple submitters, no conflicts (2 of 4 stars). 2 submissions from 2 submitters: Uncertain significance (2). Last evaluated 2025-12-13.

Conditions:
Myopathy, centronuclear, 2 (CNM2). Also called: MYOTUBULAR MYOPATHY, AUTOSOMAL RECESSIVE. Identifiers: Orphanet 169186, MedGen CN031787, MONDO:0009709, OMIM 255200.
Inborn genetic diseases. Identifiers: MedGen C0950123, MeSH D030342.

Allele frequency attached by ClinVar (database versions not stated): gnomAD 0.00001; TOPMed 0.00001; ExAC 0.00001; gnomAD exomes 0.00001.
gnomAD v4.1: 6 of 1,614,140 alleles (0.00037%); highest among the groups gnomAD compares: Admixed American, 0.0083%; no homozygotes.

Submissions (2):

Labcorp Genetics (formerly Invitae), Labcorp
Classification: Uncertain significance for Myopathy, centronuclear, 2. Last evaluated: 2025-12-13. Review status: criteria provided, single submitter. Criteria: Invitae Variant Classification Sherloc (09022015). Collection method: clinical testing. Allele origin: germline.
Comment: This sequence change replaces threonine, which is neutral and polar, with serine, which is neutral and polar, at codon 534 of the BIN1 protein (p.Thr534Ser). This variant is present in population databases (rs780816118, gnomAD 0.01%). This variant has not been reported in the literature in individuals affected with BIN1-related conditions. ClinVar contains an entry for this variant (Variation ID: 2153856). Invitae Evidence Modeling of protein sequence and biophysical properties (such as structural, functional, and spatial information, amino acid conservation, physicochemical variation, residue mobility, and thermodynamic stability) indicates that this missense variant is not expected to disrupt BIN1 protein function with a negative predictive value of 80%. In summary, the available evidence is currently insufficient to determine the role of this variant in disease. Therefore, it has been classified as a Variant of Uncertain Significance.

Ambry Genetics
Classification: Uncertain significance for Inborn genetic diseases. Last evaluated: 2025-08-21. Review status: criteria provided, single submitter. Criteria: Ambry Variant Classification Scheme 2023. Collection method: clinical testing. Allele origin: germline.

NM_139343.3(BIN1):c.1601C>G (p.Thr534Ser)

Gene: BIN1 (bridging integrator 1; minus strand). Cytogenetic location: 2q14.3.
Variant type: single nucleotide variant.
Coding change: c.1601C>G on transcript NM_139343.3 (MANE Select); coding-DNA position 1601, C replaced by G.
Protein change: p.Thr534Ser; replaces threonine 534 with serine.
Molecular consequence: missense variant.
Genome position (GRCh38, 1-based): chr2:127,050,494, G>C on the plus strand (C>G on the coding strand, the complement: BIN1 is on the minus strand). VCF-style: chr2-127050494-G-C. GRCh37 (hg19) VCF-style: chr2-127808070-G-C.
Other names: c.1601C>G (NM_139343.2); c.1094C>G, p.Thr365Ser (NM_001320632.2); c.1232C>G, p.Thr411Ser (NM_001320633.2); c.977C>G, p.Thr326Ser (NM_001320634.1); c.1361C>G, p.Thr454Ser (NM_001320640.2); c.1508C>G, p.Thr503Ser (NM_001320641.2); c.1520C>G, p.Thr507Ser (NM_001320642.1); c.1184C>G, p.Thr395Ser (NM_004305.4); and 8 more; short protein forms T416S, T423S, T447S, T507S, T365S, T438S, T503S, T534S.
Identifiers: ClinVar variation 2153856 (VCV002153856.5), dbSNP rs780816118, ClinGen allele CA1856970.
Genomic context (GRCh38, chr2:127,050,494, plus strand): 5'-TTCTGGAAGGGGATCACCAGCACCACATCACCAGCCTTGAGCTGCAGCTCGTCTGTGTCA[G>C]TGGCCGTGTAGTCGTGCTGGGCCTGTACCTGCAGAGGATGCGGATCGCAAGTCAGACCTT-3'
Protein context (NP_647593.1, residues 524-544): KVQAQHDYTA[Thr534Ser]DTDELQLKAG